The following is an entry in ClinVar:

ClinVar aggregate classification (germline): Conflicting classifications of pathogenicity. Review status: criteria provided, conflicting classifications (1 of 4 stars). 3 submissions from 3 submitters: Likely pathogenic (2); Uncertain significance (1). Last evaluated 2023-02-27.

Conditions:
Atypical hemolytic-uremic syndrome with MCP/CD46 anomaly. Also called: HEMOLYTIC UREMIC SYNDROME, ATYPICAL, SUSCEPTIBILITY TO, 2; AHUS, SUSCEPTIBILITY TO, 2. Identifiers: Orphanet 2134, MedGen C2752040, MONDO:0013040, OMIM 612922.

Allele frequency attached by ClinVar (database versions not stated): ExAC 0.00004; gnomAD 0.00007; TOPMed 0.00017; ESP Exome Variant Server 0.00023.
gnomAD v4.1: 18 of 1,467,196 alleles (0.0012%); highest among the groups gnomAD compares: African/African-American, 0.018%; no homozygotes.

Submissions (3):

Johns Hopkins Genomics, Johns Hopkins University
Classification: Likely pathogenic for Atypical hemolytic-uremic syndrome with MCP/CD46 anomaly. Last evaluated: 2023-02-27. Review status: criteria provided, single submitter. Criteria: ACMG Guidelines, 2015. Collection method: clinical testing. Allele origin: germline.
Comment: This CD46 canonical splice variant (rs140298514) is rare (<0.1%) in a large population dataset (gnomAD v3.1.2: 12/151114 total alleles; 0.008%; no homozygotes). It has been reported in ClinVar (Variation ID 1917135), but has not been reported in the literature, to our knowledge. This variant destroys a canonical splice acceptor site and is predicted to cause abnormal gene splicing. We consider c.989-1G>C in CD46 to be likely pathogenic.

Center for Genomics, Ann and Robert H. Lurie Children's Hospital of Chicago
Classification: Uncertain significance for Atypical hemolytic-uremic syndrome with MCP/CD46 anomaly. Last evaluated: 2023-01-18. Review status: criteria provided, single submitter. Criteria: ACMG Guidelines, 2015. Collection method: clinical testing. Allele origin: germline.
Comment: This variant has not been reported in the literature but is present in the Genome Aggregation Database (Highest reported MAF 0.02% [10/41120]). Evolutionary conservation and computational prediction tools for this variant are limited or unavailable. Of note, this variant alters the consensus splice sequence (+/- 1,2), which is predicted to result in an absent or abnormal protein. However, based on nucleotide position, this variant may result in an in-frame deletion. Further studies are needed to understand its impact. In summary, data on this variant is insufficient for disease classification. Therefore, the clinical significance of this variant is uncertain.

Labcorp Genetics (formerly Invitae), Labcorp
Classification: Likely pathogenic. Last evaluated: 2022-05-25. Review status: criteria provided, single submitter. Criteria: Invitae Variant Classification Sherloc (09022015). Collection method: clinical testing. Allele origin: germline.
Comment: In summary, the currently available evidence indicates that the variant is pathogenic, but additional data are needed to prove that conclusively. Therefore, this variant has been classified as Likely Pathogenic. Disruption of this splice site has been observed in individual(s) with hemolytic uremic syndrome (Invitae). Algorithms developed to predict the effect of sequence changes on RNA splicing suggest that this variant may disrupt the consensus splice site. This variant is present in population databases (rs140298514, gnomAD 0.03%). This sequence change affects an acceptor splice site in intron 9 of the CD46 gene. It is expected to disrupt RNA splicing. Variants that disrupt the donor or acceptor splice site typically lead to a loss of protein function (PMID: 16199547), and loss-of-function variants in CD46 are known to be pathogenic (PMID: 16621965, 23431077).

Literature cited by the submitters: PubMed 16199547 (cited by Labcorp Genetics (formerly Invitae), Labcorp); PubMed 16621965 (cited by Labcorp Genetics (formerly Invitae), Labcorp); PubMed 23431077 (cited by Labcorp Genetics (formerly Invitae), Labcorp).

NM_172351.3(CD46):c.944-1G>C

Gene: CD46 (CD46 molecule; plus strand). Cytogenetic location: 1q32.2.
Variant type: single nucleotide variant.
Coding change: c.944-1G>C on transcript NM_172351.3 (MANE Select); the canonical splice acceptor site of the intron before coding-DNA position 944, G replaced by C.
Molecular consequence: splice acceptor variant.
Genome position (GRCh38, 1-based): chr1:207,783,291, G>C. VCF-style: chr1-207783291-G-C. GRCh37 (hg19) VCF-style: chr1-207956636-G-C.
Other names: c.989-1G>C (NM_002389.4, NM_172359.3); c.944-1G>C (NM_153826.4, NM_172358.3); c.857-1G>C (NM_172357.3, NM_172361.3); c.902-1G>C (NM_172355.3, NM_172356.3); c.899-1G>C (NM_172352.3, NM_172353.3, NM_172350.3).
Identifiers: ClinVar variation 1917135 (VCV001917135.7), dbSNP rs140298514, ClinGen allele CA1371845.